The following is an entry in ClinVar:

ClinVar aggregate classification (germline): Conflicting classifications of pathogenicity. Review status: criteria provided, conflicting classifications (1 of 4 stars). 4 submissions from 4 submitters: Uncertain significance (3); Likely benign (1). Last evaluated 2025-04-02.

Conditions:
Cardiovascular phenotype. Identifiers: MedGen CN230736.
Cardiac arrhythmia. Also called: Arrhythmia; Cardiac rhythm disease. Identifiers: MedGen C0003811, MONDO:0007263, HP:0011675.
Long QT syndrome (LQTS). Identifiers: MedGen C0023976, MeSH D008133, MONDO:0002442. Disease mechanism: loss of function. Inheritance: Various modes of inheritance.

gnomAD v4.1: 10 of 1,612,546 alleles (0.00062%); highest among the groups gnomAD compares: Admixed American, 0.013%; no homozygotes.

Submissions (4):

Ambry Genetics
Classification: Likely benign for Cardiovascular phenotype. Last evaluated: 2025-04-02. Review status: criteria provided, single submitter. Criteria: Ambry Variant Classification Scheme 2023. Collection method: clinical testing. Allele origin: germline.

GeneDx
Classification: Uncertain significance. Last evaluated: 2024-10-17. Review status: criteria provided, single submitter. Criteria: GeneDx Variant Classification Process June 2021. Collection method: clinical testing. Allele origin: germline. Affected: yes.
Comment: In silico analysis indicates that this missense variant does not alter protein structure/function; Has not been previously published as pathogenic or benign to our knowledge

Color Diagnostics, LLC DBA Color Health
Classification: Uncertain significance for Cardiac arrhythmia. Last evaluated: 2024-09-23. Review status: criteria provided, single submitter. Criteria: ACMG Guidelines, 2015. Collection method: clinical testing. Allele origin: germline.
Comment: This missense variant replaces valine with leucine at codon 185 of the KCNQ1 protein. Computational prediction is inconclusive regarding the impact of this variant on protein structure and function. To our knowledge, functional studies have not been reported for this variant. This variant has not been reported in individuals affected with cardiovascular disorders in the literature. This variant has been identified in 9/249674 chromosomes in the general population by the Genome Aggregation Database (gnomAD). The available evidence is insufficient to determine the role of this variant in disease conclusively. Therefore, this variant is classified as a Variant of Uncertain Significance.

Labcorp Genetics (formerly Invitae), Labcorp
Classification: Uncertain significance for Long QT syndrome. Last evaluated: 2023-10-08. Review status: criteria provided, single submitter. Criteria: Invitae Variant Classification Sherloc (09022015). Collection method: clinical testing. Allele origin: germline.
Comment: This sequence change replaces valine, which is neutral and non-polar, with leucine, which is neutral and non-polar, at codon 185 of the KCNQ1 protein (p.Val185Leu). This variant is present in population databases (rs749351255, gnomAD 0.02%). This variant has not been reported in the literature in individuals affected with KCNQ1-related conditions. ClinVar contains an entry for this variant (Variation ID: 1044083). Advanced modeling of protein sequence and biophysical properties (such as structural, functional, and spatial information, amino acid conservation, physicochemical variation, residue mobility, and thermodynamic stability) performed at Invitae indicates that this missense variant is expected to disrupt KCNQ1 protein function. Algorithms developed to predict the effect of sequence changes on RNA splicing suggest that this variant may disrupt the consensus splice site. In summary, the available evidence is currently insufficient to determine the role of this variant in disease. Therefore, it has been classified as a Variant of Uncertain Significance.

NM_000218.3(KCNQ1):c.553G>C (p.Val185Leu)

Gene: KCNQ1 (potassium voltage-gated channel subfamily Q member 1; plus strand). Cytogenetic location: 11p15.5.
Variant type: single nucleotide variant.
Coding change: c.553G>C on transcript NM_000218.3 (MANE Select); coding-DNA position 553, G replaced by C.
Protein change: p.Val185Leu; replaces valine 185 with leucine.
Molecular consequence: missense variant.
Genome position (GRCh38, 1-based): chr11:2,570,703, G>C. VCF-style: chr11-2570703-G-C. GRCh37 (hg19) VCF-style: chr11-2591933-G-C.
Other names: c.553G>C, p.Val185Leu (NM_001406836.1); c.283G>C, p.Val95Leu (NM_001406837.1); c.172G>C, p.Val58Leu (NM_181798.2); short protein forms V58L, V185L, V95L.
Identifiers: ClinVar variation 1044083 (VCV001044083.18), dbSNP rs749351255, ClinGen allele CA038359.